The following is an entry in ClinVar:

NM_001372044.2(SHANK3):c.319G>T (p.Val107Leu)

Gene: SHANK3 (SH3 and multiple ankyrin repeat domains 3; plus strand). Cytogenetic location: 22q13.33.
Variant type: single nucleotide variant.
Coding change: c.319G>T on transcript NM_001372044.2 (MANE Select); coding-DNA position 319, G replaced by T.
Protein change: p.Val107Leu; replaces valine 107 with leucine.
Molecular consequence: missense variant.
Genome position (GRCh38, 1-based): chr22:50,675,078, G>T. VCF-style: chr22-50675078-G-T. GRCh37 (hg19) VCF-style: chr22-51113506-G-T.
Other names: c.94G>T (NM_033517.1); short protein forms V107L.
Identifiers: ClinVar variation 1029038 (VCV001029038.1), dbSNP rs2082908926, ClinGen allele CA515251081.

ClinVar aggregate classification (germline): Uncertain significance (1 of 4 stars; one submission).

Conditions:
Phelan-McDermid syndrome. Also called: TELOMERIC 22q13 MONOSOMY SYNDROME; 22q13.3 deletion syndrome; Phelan-McDermid Syndrome-SHANK3 Related. Identifiers: Orphanet 48652, MedGen C1853490, MONDO:0011652, OMIM 606232.

Submission:

Baylor Genetics
Classification: Uncertain significance for Phelan-McDermid syndrome. Last evaluated: 2020-03-08. Review status: criteria provided, single submitter. Criteria: ACMG Guidelines, 2015. Collection method: clinical testing. Allele origin: unknown. Affected: yes.
Comment: This variant was determined to be of uncertain significance according to ACMG Guidelines, 2015 [PMID:25741868].